The following is an entry in ClinVar:

ClinVar aggregate classification (germline): Conflicting classifications of pathogenicity. Review status: criteria provided, conflicting classifications (1 of 4 stars). 2 submissions from 2 submitters: Likely pathogenic (1); Uncertain significance (1). Last evaluated 2025-06-03.

Conditions:
GM1 gangliosidosis. Identifiers: Orphanet 354, MedGen C0085131, MONDO:0018149.
Mucopolysaccharidosis, MPS-IV-B (MPS4B). Also called: MORQUIO SYNDROME B; Mucopolysaccharidosis Type IVB (Morquio B Disease); Mucopolysaccharidosis type 4B; Mucopolysaccharidosis type IVB (Morquio); MPS IVB; Mucopolysaccharidosis type IV B. Identifiers: Orphanet 309310, Orphanet 582, MedGen C0086652, MONDO:0009660, OMIM 253010.

Allele frequency attached by ClinVar (database versions not stated): gnomAD exomes below 0.00001.
gnomAD v4.1: 1 of 1,614,020 alleles (0.000062%); highest among the groups gnomAD compares: Non-Finnish European, 0.000085%; no homozygotes.

Submissions (2):

Women's Health and Genetics/Laboratory Corporation of America, LabCorp
Classification: Uncertain significance. Last evaluated: 2025-06-03. Review status: criteria provided, single submitter. Criteria: LabCorp Variant Classification Summary - May 2015. Collection method: clinical testing. Allele origin: germline.
Comment: Variant summary: GLB1 c.1258A>G (p.Thr420Ala) results in a non-conservative amino acid change in the encoded protein sequence. Algorithms developed to predict the effect of missense changes on protein structure and function all suggest that this variant is likely to be disruptive. The variant was absent in 249584 control chromosomes (gnomAD). The available data on variant occurrences in the general population are insufficient to allow any conclusion about variant significance. To our knowledge, no occurrence of c.1258A>G in individuals affected with Mucopolysaccharidosis Type IVB (Morquio Syndrome B) and no experimental evidence demonstrating its impact on protein function have been reported. A different variant affecting the same codon has been classified as likely pathogenic by our lab (c.1258A>C, p.Thr420Pro). ClinVar contains an entry for this variant (Variation ID: 1483973). Based on the evidence outlined above, the variant was classified as uncertain significance.

Labcorp Genetics (formerly Invitae), Labcorp
Classification: Likely pathogenic for Mucopolysaccharidosis, MPS-IV-B; GM1 gangliosidosis. Last evaluated: 2021-01-30. Review status: criteria provided, single submitter. Criteria: Invitae Variant Classification Sherloc (09022015). Collection method: clinical testing. Allele origin: germline.
Comment: This variant disrupts the p.Thr420 amino acid residue in GLB1. Other variant(s) that disrupt this residue have been determined to be pathogenic (PMID: 16941474). This suggests that this residue is clinically significant, and that variants that disrupt this residue are likely to be disease-causing. Advanced modeling of protein sequence and biophysical properties (such as structural, functional, and spatial information, amino acid conservation, physicochemical variation, residue mobility, and thermodynamic stability) performed at Invitae indicates that this missense variant is expected to disrupt GLB1 protein function. This variant has not been reported in the literature in individuals with GLB1-related conditions. This variant is not present in population databases (ExAC no frequency). This sequence change replaces threonine with alanine at codon 420 of the GLB1 protein (p.Thr420Ala). The threonine residue is highly conserved and there is a small physicochemical difference between threonine and alanine. In summary, the currently available evidence indicates that the variant is pathogenic, but additional data are needed to prove that conclusively. Therefore, this variant has been classified as Likely Pathogenic.

Literature cited by the submitters: PubMed 16941474 (cited by Labcorp Genetics (formerly Invitae), Labcorp).

NM_000404.4(GLB1):c.1258A>G (p.Thr420Ala)

Gene: GLB1 (galactosidase beta 1; minus strand). Cytogenetic location: 3p22.3.
Variant type: single nucleotide variant.
Coding change: c.1258A>G on transcript NM_000404.4 (MANE Select); coding-DNA position 1258, A replaced by G.
Protein change: p.Thr420Ala; replaces threonine 420 with alanine.
Molecular consequence: missense variant.
Genome position (GRCh38, 1-based): chr3:33,018,537, T>C on the plus strand (A>G on the coding strand, the complement: GLB1 is on the minus strand). VCF-style: chr3-33018537-T-C. GRCh37 (hg19) VCF-style: chr3-33060029-T-C.
Other names: c.1168A>G, p.Thr390Ala (NM_001079811.3); c.865A>G, p.Thr289Ala (NM_001135602.3); c.1402A>G, p.Thr468Ala (NM_001317040.2); c.1258A>G, p.Thr420Ala (NM_001393580.1); short protein forms T390A, T289A, T420A, T468A.
Identifiers: ClinVar variation 1483973 (VCV001483973.9), dbSNP rs200181401, ClinGen allele CA351992519.
Genomic context (GRCh38, chr3:33,018,537, plus strand): 5'-GGACTCCATTGAGGGGTGAAGAGAGAGGTGCTGGGTTGCTGCAATCTTGAGGAAGTGTTG[T>C]CCGGTACAGCACAAACCCATAATGCTGGTTAGAAAAGGATTTAAGAAAAATACATCACTA-3'
Protein context (NP_000395.3, residues 410-430): KQHYGFVLYR[Thr420Ala]TLPQDCSNPA